The following is an entry in ClinVar:

ClinVar aggregate classification (germline): Uncertain significance (1 of 4 stars; one submission).

Conditions:
Neuroferritinopathy (NBIA3). Also called: NEURODEGENERATION WITH BRAIN IRON ACCUMULATION 3; BASAL GANGLIA DISEASE, ADULT-ONSET. Identifiers: Orphanet 157846, MedGen C1853578, MONDO:0011638, OMIM 606159.
Hereditary hyperferritinemia with congenital cataracts. Also called: Hereditary hyperferritinemia cataract syndrome; Bonneau-Beaumont syndrome; HYPERFERRITINEMIA WITH OR WITHOUT CATARACT. Identifiers: Orphanet 163, MedGen C1833213, MONDO:0010952, OMIM 600886.

Allele frequency attached by ClinVar (database versions not stated): gnomAD exomes below 0.00001; TOPMed below 0.00001.

Submission:

Labcorp Genetics (formerly Invitae), Labcorp
Classification: Uncertain significance for Neuroferritinopathy; Hereditary hyperferritinemia with congenital cataracts. Last evaluated: 2022-08-17. Review status: criteria provided, single submitter. Criteria: Invitae Variant Classification Sherloc (09022015). Collection method: clinical testing. Allele origin: germline.
Comment: This variant occurs in a non-coding region of the FTL gene. It does not change the encoded amino acid sequence of the FTL protein. This variant is not present in population databases (gnomAD no frequency). This variant has not been reported in the literature in individuals affected with FTL-related conditions. Experimental studies and prediction algorithms are not available or were not evaluated, and the functional significance of this variant is currently unknown. In summary, the available evidence is currently insufficient to determine the role of this variant in disease. Therefore, it has been classified as a Variant of Uncertain Significance.

NC_000019.10:g.48965303C>T

Gene: FTL (ferritin light chain; plus strand). Cytogenetic location: 19q13.33.
Variant type: single nucleotide variant.
Genome position: GRCh38 VCF-style: chr19-48965303-C-T. GRCh37 (hg19) VCF-style: chr19-49468560-C-T.
Identifiers: ClinVar variation 2153839 (VCV002153839.4), dbSNP rs2038437448, ClinGen allele CA2340161124.